The following is an entry in ClinVar:

ClinVar aggregate classification (germline): Pathogenic (1 of 4 stars; one submission).

Conditions:
Hyperammonemia, type III (NAGSD). Also called: Hyperammonemia due to N-acetylglutamate synthase deficiency. Identifiers: Orphanet 927, MedGen C0268543, MONDO:0009377, OMIM 237310.

Submission:

Labcorp Genetics (formerly Invitae), Labcorp
Classification: Pathogenic for Hyperammonemia, type III. Last evaluated: 2024-02-17. Review status: criteria provided, single submitter. Criteria: Invitae Variant Classification Sherloc (09022015). Collection method: clinical testing. Allele origin: germline.
Comment: This sequence change creates a premature translational stop signal (p.Val15Cysfs*281) in the NAGS gene. It is expected to result in an absent or disrupted protein product. Loss-of-function variants in NAGS are known to be pathogenic (PMID: 12594532). This variant is not present in population databases (gnomAD no frequency). This variant has not been reported in the literature in individuals affected with NAGS-related conditions. For these reasons, this variant has been classified as Pathogenic.

Literature cited by the submitters: PubMed 12594532.

NM_153006.3(NAGS):c.42dup (p.Val15fs)

Gene: NAGS (N-acetylglutamate synthase; plus strand). Cytogenetic location: 17q21.31.
Variant type: Duplication.
Coding change: c.42dup on transcript NM_153006.3 (MANE Select); coding-DNA position 42, one base duplicated (T; older notation c.42dupT).
Protein change: p.Val15fs; shifts the reading frame from valine 15.
Molecular consequence: frameshift variant.
Genome position (GRCh38, 1-based): chr17:44,004,705, T duplicated. VCF-style (leftmost placement, unchanged base first): chr17-44004704-C-CT. GRCh37 (hg19) VCF-style: chr17-42082072-C-CT.
Other names: short protein forms V15fs.
Identifiers: ClinVar variation 3632608 (VCV003632608.2).